The following is an entry in ClinVar:

ClinVar aggregate classification (germline): Uncertain significance. Review status: criteria provided, multiple submitters, no conflicts (2 of 4 stars). 10 submissions from 10 submitters: Uncertain significance (9). 1 of the submissions does not count toward it. Last evaluated 2026-07-26.

Conditions:
GLB1-related disorder. Also called: GLB1-related disorders. Identifiers: MedGen CN377807.
Mucopolysaccharidosis, MPS-IV-B (MPS4B). Also called: Mucopolysaccharidosis type IV B; Mucopolysaccharidosis Type IVB (Morquio B Disease); Mucopolysaccharidosis type 4B; Mucopolysaccharidosis Type IVB; Mucopolysaccharidosis type IVB (Morquio); MPS IVB. Identifiers: Orphanet 309310, Orphanet 582, MedGen C0086652, MONDO:0009660, OMIM 253010.
GM1 gangliosidosis. Identifiers: Orphanet 354, MedGen C0085131, MONDO:0018149.
GM1 gangliosidosis type 2. Also called: Gangliosidosis, Generalized GM1, Type 2; Juvenile GM>1< gangliosidosis; GM1-GANGLIOSIDOSIS, TYPE II; GANGLIOSIDOSIS, GENERALIZED GM1, JUVENILE TYPE; GANGLIOSIDOSIS, GENERALIZED GM1, TYPE II. Identifiers: Orphanet 354, Orphanet 79256, MedGen C0268272, MONDO:0009261, OMIM 230600.
Inborn genetic diseases. Identifiers: MedGen C0950123, MeSH D030342.
Infantile GM1 gangliosidosis. Also called: Gangliosidosis, Generalized GM1, Type 1; GM1-gangliosidosis, type I; Gangliosidosis, generalized GM1, infantile form; GLB1 deficiency; GM1 gangliosidosis type 1. Identifiers: Orphanet 354, Orphanet 79255, MedGen C0268271, MONDO:0009260, OMIM 230500.
GM1 gangliosidosis type 3. Also called: Gangliosidosis, Generalized GM1, Type 3; Beta-galactosidase deficiency; Adult GM1 gangliosidosis; Type 3 (adult) GM1 gangliosidosis; GM1-GANGLIOSIDOSIS, TYPE III; GANGLIOSIDOSIS, GENERALIZED GM1, ADULT TYPE. Identifiers: Orphanet 79257, MedGen C0268273, MONDO:0009262, OMIM 230650.

Allele frequency attached by ClinVar (database versions not stated): ExAC 0.00003; 1000 Genomes Project 0.00020; TOPMed 0.00020; gnomAD exomes 0.00006 and 0.00012; gnomAD 0.00011; 1000 Genomes Project 30x 0.00031.
gnomAD v4.1: 107 of 1,614,076 alleles (0.0066%); highest among the groups gnomAD compares: Admixed American, 0.083%; no homozygotes.

Submissions (10):

PreventionGenetics, part of Exact Sciences
Classification: Uncertain significance for GLB1-related condition. Last evaluated: 2026-07-26. Review status: criteria provided, single submitter. Criteria: ACMG Guidelines, 2015. Collection method: clinical testing. Allele origin: germline.
Comment: The GLB1 c.1783C>T variant is predicted to result in the amino acid substitution p.Arg595Trp. This variant has been reported in the compound heterozygous state with a loss-of-function GLB1 variant (p.Glu517*) in the healthy father of a patient with late-infantile-onset GM1 gangliosidosis, who inherited the p.Glu517* causative variant (Gort et al. 2007. PubMed ID: 17661814). In vitro functional studies found that this variant partially reduced β-galactosidase activity (33-59% reduction relative to controls), leading the authors to classify p.Arg595Trp as a possible pseudodeficiency allele (Gort et al. 2007. PubMed ID: 17661814). However, to our knowledge, no additional studies have been reported to confirm this initial result. This variant is reported in 0.079% of alleles in individuals of Latino descent in gnomAD. Of note, an alternate missense change of the same amino acid (p.Arg595Pro) has been reported in trans with a pathogenic GLB1 variant (p.Ala301Val) in a pair of siblings with clinical features of GM1 gangliosidosis (Tables 1 & S2, Arash-Kaps et al. 2019. PubMed ID: 31761138). Taken together, we classify the p.Arg595Trp variant as uncertain due to the absence of conclusive functional and genetic evidence.

GeneDx
Classification: Uncertain significance. Last evaluated: 2026-04-17. Review status: criteria provided, single submitter. Criteria: GeneDx Variant Classification Process June 2021. Collection method: clinical testing. Allele origin: germline.
Comment: Observed with a nonsense variant in GLB1 in the clinically asymptomatic father of a patient with GM1 gangliosidosis (PMID: 17661814) The father's enzyme activity in leukocytes and plasma was significantly lower than controls and heterozygous carriers of pathogenic variants in GLB1, but higher than affected individuals (PMID: 17661814); In silico analysis supports that this missense variant has a deleterious effect on protein structure/function; This variant is associated with the following publications: (PMID: 34426522, 26990548, 30442161, 35885997, 17661814)

Blueprint Genetics
Classification: Uncertain significance. Last evaluated: 2024-10-26. Review status: criteria provided, single submitter. Criteria: ACMG Guidelines, 2015. Collection method: clinical testing. Allele origin: germline.

Women's Health and Genetics/Laboratory Corporation of America, LabCorp
Classification: Uncertain significance. Last evaluated: 2024-09-09. Review status: criteria provided, single submitter. Criteria: LabCorp Variant Classification Summary - May 2015. Collection method: clinical testing. Allele origin: germline.
Comment: Variant summary: GLB1 c.1783C>T (p.Arg595Trp) results in a non-conservative amino acid change located in the Beta-galactosidase jelly roll domain (IPR025300) of the encoded protein sequence. Four of five in-silico tools predict a damaging effect of the variant on protein function. The variant allele was found at a frequency of 0.00012 in 249362 control chromosomes, predominantly at a frequency of 0.00075 within the Latino subpopulation in the gnomAD database. This frequency is not significantly higher than expected for a pathogenic variant in GLB1 causing Mucopolysaccharidosis Type IVB (Morquio Syndrome B) (0.00012 vs 0.00091), allowing no conclusion about variant significance. c.1783C>T has been reported in the literature as a compound heterozygous genotype with another pathogenic variant in the clinically unaffected father of an individual with GM1 gangliosidosis (Gort_2007). The disease in the affected individual was attributed to a biallelic genotype comprising the pathogenic allele from this unaffected father and another pathogenic allele from the obligate carrier mother, but not to this variant. Further biochemical workup of the healthy father revealed a pseudodeficient beta galactosidase enzyme activity in both his leukocytes and plasma. These report(s) do not provide unequivocal conclusions about association of the variant with Mucopolysaccharidosis Type IVB (Morquio Syndrome B). At least one publication reports experimental evidence evaluating an impact on protein function (Gort_2007). The most pronounced variant effect results in 33-59% of normal enzyme activity when this variant was traniently expressed in-vitro. The following publications have been ascertained in the context of this evaluation (PMID: 30442161, 17661814). ClinVar contains an entry for this variant (Variation ID: 550288). Based on the evidence outlined above, the variant was classified as uncertain significance.

Labcorp Genetics (formerly Invitae), Labcorp
Classification: Uncertain significance for Mucopolysaccharidosis, MPS-IV-B; GM1 gangliosidosis. Last evaluated: 2022-10-24. Review status: criteria provided, single submitter. Criteria: Invitae Variant Classification Sherloc (09022015). Collection method: clinical testing. Allele origin: germline.
Comment: This sequence change replaces arginine, which is basic and polar, with tryptophan, which is neutral and slightly polar, at codon 595 of the GLB1 protein (p.Arg595Trp). This variant is present in population databases (rs201807974, gnomAD 0.08%). This variant has not been reported in the literature in individuals affected with GLB1-related conditions. ClinVar contains an entry for this variant (Variation ID: 550288). Advanced modeling of protein sequence and biophysical properties (such as structural, functional, and spatial information, amino acid conservation, physicochemical variation, residue mobility, and thermodynamic stability) has been performed at Invitae for this missense variant, however the output from this modeling did not meet the statistical confidence thresholds required to predict the impact of this variant on GLB1 protein function. Experimental studies have shown that this missense change affects GLB1 function (PMID: 17661814). In summary, the available evidence is currently insufficient to determine the role of this variant in disease. Therefore, it has been classified as a Variant of Uncertain Significance.

Ambry Genetics
Classification: Uncertain significance for Inborn genetic diseases. Last evaluated: 2022-06-10. Review status: criteria provided, single submitter. Criteria: Ambry Variant Classification Scheme 2023. Collection method: clinical testing. Allele origin: germline.
Comment: The c.1783C>T (p.R595W) alteration is located in exon 16 (coding exon 16) of the GLB1 gene. This alteration results from a C to T substitution at nucleotide position 1783, causing the arginine (R) at amino acid position 595 to be replaced by a tryptophan (W). The alteration is predicted deleterious by in silico models:_x000D_ The p.R595W alteration is predicted to be possibly damaging by Polyphen and deleterious by SIFT in silico analyses. Based on insufficient or conflicting evidence, the clinical significance of this alteration remains unclear.

Fulgent Genetics
Classification: Uncertain significance for Infantile GM1 gangliosidosis; GM1 gangliosidosis type 2; GM1 gangliosidosis type 3; Mucopolysaccharidosis, MPS-IV-B. Last evaluated: 2021-12-22. Review status: criteria provided, single submitter. Criteria: ACMG Guidelines, 2015. Collection method: clinical testing. Allele origin: unknown.

Laboratorio de Genetica e Diagnostico Molecular, Hospital Israelita Albert Einstein
Classification: Uncertain significance. Last evaluated: 2020-10-21. Review status: criteria provided, single submitter. Criteria: ACMG Guidelines, 2015. Collection method: clinical testing. Allele origin: germline. Affected: yes.
Comment: ACMG classification criteria: PM2, PM3

Mendelics
Classification: Uncertain significance for GM1 gangliosidosis type 2. Last evaluated: 2019-05-28. Review status: criteria provided, single submitter. Criteria: Mendelics Assertion Criteria 2017. Collection method: clinical testing. Allele origin: unknown.

Counsyl
Classification: Uncertain significance for Infantile GM1 gangliosidosis; GM1 gangliosidosis type 2; GM1 gangliosidosis type 3; Mucopolysaccharidosis, MPS-IV-B. Last evaluated: 2016-12-27. Review status: no assertion criteria provided. Collection method: clinical testing. Allele origin: unknown. Not counted in ClinVar's aggregate classification.

Literature cited by the submitters: PubMed 30442161 (cited by Women's Health and Genetics/Laboratory Corporation of America, LabCorp); PubMed 17661814 (cited by 4 submitters).

NM_000404.4(GLB1):c.1783C>T (p.Arg595Trp)

Gene: GLB1 (galactosidase beta 1; minus strand). Cytogenetic location: 3p22.3.
Variant type: single nucleotide variant.
Coding change: c.1783C>T on transcript NM_000404.4 (MANE Select); coding-DNA position 1783, C replaced by T.
Protein change: p.Arg595Trp; replaces arginine 595 with tryptophan.
Molecular consequence: missense variant. On other transcripts: intron variant (1).
Genome position (GRCh38, 1-based): chr3:32,997,296, G>A on the plus strand (C>T on the coding strand, the complement: GLB1 is on the minus strand). VCF-style: chr3-32997296-G-A. GRCh37 (hg19) VCF-style: chr3-33038788-G-A.
Other names: c.1693C>T, p.Arg565Trp (NM_001079811.3); c.1390C>T, p.Arg464Trp (NM_001135602.3); c.1927C>T, p.Arg643Trp (NM_001317040.2); c.1734+16760C>T (NM_001393580.1); short protein forms R595W, R464W, R565W, R643W.
Identifiers: ClinVar variation 550288 (VCV000550288.16), dbSNP rs201807974, ClinGen allele CA2299297.
Genomic context (GRCh38, chr3:32,997,296, plus strand): 5'-TGTTTGGGGCCGAGGTCATCAGGATGTGCTGGGGCACAAACAAGGTCAACTGAGGGCCCC[G>A]GGCTGGCCAATAGCGGCCAAGGTTAAAGCCATTAATCCAGACCTGGCCCTGGAGAGAGAG-3'
Protein context (NP_000395.3, residues 585-605): GFNLGRYWPA[Arg595Trp]GPQLTLFVPQ